The following is an entry in ClinVar:

ClinVar aggregate classification (germline): Benign. Review status: criteria provided, multiple submitters, no conflicts (2 of 4 stars). 3 submissions from 3 submitters: Benign (3). Last evaluated 2026-02-01.

Allele frequency attached by ClinVar (database versions not stated): 1000 Genomes Project 0.00499; 1000 Genomes Project 30x 0.00500; gnomAD 0.00799; gnomAD exomes 0.00902 and 0.01227; ExAC 0.00909; TOPMed 0.00973; ESP Exome Variant Server 0.01330.
gnomAD v4.1: 19,228 of 1,614,144 alleles (1.2%); highest among the groups gnomAD compares: Non-Finnish European, 1.4%; 136 homozygotes.

Submissions (9):

Labcorp Genetics (formerly Invitae), Labcorp
Classification: Benign. Last evaluated: 2026-02-01. Review status: criteria provided, single submitter. Criteria: Invitae Variant Classification Sherloc (09022015). Collection method: clinical testing. Allele origin: germline.

CeGaT Center for Human Genetics Tuebingen
Classification: Benign. Last evaluated: 2025-01-01. Review status: criteria provided, single submitter. Criteria: CeGaT Center For Human Genetics Tuebingen Variant Classification Criteria Version 2. Collection method: clinical testing. Allele origin: germline. Affected: yes. Observed: 3 variant alleles.
Comment: OPN1SW: BP4, BS1, BS2

Breakthrough Genomics
Classification: Benign. Review status: criteria provided, single submitter. Criteria: ACMG Guidelines, 2015. Collection method: not provided. Allele origin: germline. Inheritance: Autosomal dominant inheritance. Affected: yes.

Dr. Peter K. Rogan Lab, Western University
No classification provided (evidence only). Condition: Lung cancer. Review status: no classification provided. Collection method: in vitro. Allele origin: not applicable. Functional consequence: retained intron. Not counted in ClinVar's aggregate classification.

Dr. Peter K. Rogan Lab, Western University
No classification provided (evidence only). Condition: Melanoma. Review status: no classification provided. Collection method: in vitro. Allele origin: not applicable. Functional consequence: retained intron. Not counted in ClinVar's aggregate classification.

Dr. Peter K. Rogan Lab, Western University
No classification provided (evidence only). Condition: Cervical cancer. Review status: no classification provided. Collection method: in vitro. Allele origin: not applicable. Functional consequence: retained intron. Not counted in ClinVar's aggregate classification.

Dr. Peter K. Rogan Lab, Western University
No classification provided (evidence only). Condition: Hepatocellular carcinoma. Review status: no classification provided. Collection method: in vitro. Allele origin: not applicable. Functional consequence: retained intron. Not counted in ClinVar's aggregate classification.

Dr. Peter K. Rogan Lab, Western University
No classification provided (evidence only). Condition: Cholangiocarcinoma. Review status: no classification provided. Collection method: in vitro. Allele origin: not applicable. Functional consequence: retained intron. Not counted in ClinVar's aggregate classification.

Dr. Peter K. Rogan Lab, Western University
No classification provided (evidence only). Condition: Chronic lymphocytic leukemia/small lymphocytic lymphoma. Review status: no classification provided. Collection method: in vitro. Allele origin: not applicable. Functional consequence: retained intron. Not counted in ClinVar's aggregate classification.

NC_000007.14:g.128775569G>T

Gene: OPN1SW (opsin 1, short wave sensitive; minus strand). Cytogenetic location: 7q32.1.
Variant type: single nucleotide variant.
Genome position: GRCh38 VCF-style: chr7-128775569-G-T. GRCh37 (hg19) VCF-style: chr7-128415623-G-T.
Other names: NM_001708.2:c.222C>A; c.213C>A (NM_001385125.1).
Identifiers: ClinVar variation 774879 (VCV000774879.36), dbSNP rs35893393, ClinGen allele CA4473027.